The following is an entry in ClinVar:

ClinVar aggregate classification (germline): Pathogenic. Review status: criteria provided, multiple submitters, no conflicts (2 of 4 stars). 3 submissions from 3 submitters: Pathogenic (2). 1 of the submissions does not count toward it. Last evaluated 2025-02-06.

Conditions:
Familial adenomatous polyposis 1 (FAP1). Also called: FAMILIAL ADENOMATOUS POLYPOSIS 1, ATTENUATED; POLYPOSIS, ADENOMATOUS INTESTINAL. Identifiers: MedGen C2713442, MONDO:0021056, OMIM 175100. Disease mechanism: loss of function.
Hereditary cancer-predisposing syndrome. Also called: Hereditary Cancer Syndrome; Tumor predisposition; Hereditary neoplastic syndrome; Neoplastic Syndromes, Hereditary. Identifiers: Orphanet 140162, MedGen C0027672, MeSH D009386, MONDO:0015356.

Submissions (3):

Ambry Genetics
Classification: Pathogenic for Hereditary cancer-predisposing syndrome. Last evaluated: 2025-02-06. Review status: criteria provided, single submitter. Criteria: Ambry Variant Classification Scheme 2023. Collection method: clinical testing. Allele origin: germline.
Comment: The c.1369delT pathogenic mutation, located in coding exon 10 of the APC gene, results from a deletion of one nucleotide at nucleotide position 1369, causing a translational frameshift with a predicted alternate stop codon (p.S457Hfs*10). This variant was reported in individual(s) with features consistent with APC-related familial adenomatous polyposis (FAP) (Ambry internal data). This variant is considered to be rare based on population cohorts in the Genome Aggregation Database (gnomAD). This alteration is expected to result in loss of function by premature protein truncation or nonsense-mediated mRNA decay. As such, this alteration is interpreted as a disease-causing mutation.

Myriad Genetics, Inc.
Classification: Pathogenic for Familial adenomatous polyposis 1. Last evaluated: 2023-05-01. Review status: criteria provided, single submitter. Criteria: Myriad Autosomal Dominant, Autosomal Recessive and X-Linked Classification Criteria (2023). Collection method: clinical testing. Allele origin: unknown.
Comment: This variant is considered pathogenic. This variant creates a frameshift predicted to result in premature protein truncation.

OMIM
Classification: Pathogenic for FAMILIAL ADENOMATOUS POLYPOSIS 1. Last evaluated: 1991-08-09. Review status: no assertion criteria provided. Collection method: literature only. Allele origin: germline. Not counted in ClinVar's aggregate classification.

Literature cited by the submitters: PubMed 1651174 (cited by OMIM).

NM_000038.6(APC):c.1369del (p.Ser457fs)

Gene: APC (APC regulator of Wnt signaling pathway; plus strand). Cytogenetic location: 5q22.2.
Variant type: Deletion.
Coding change: c.1369del on transcript NM_000038.6 (MANE Select); coding-DNA position 1369, one base deleted (T; older notation c.1369delT).
Protein change: p.Ser457fs; shifts the reading frame from serine 457.
Molecular consequence: frameshift variant.
Genome position (GRCh38, 1-based): chr5:112,821,952, T deleted; the last of 3 consecutive T bases (chr5:112,821,950-112,821,952); deleting any one gives the same sequence. VCF-style (leftmost placement, unchanged base first): chr5-112821949-CT-C. GRCh37 (hg19) VCF-style: chr5-112157646-CT-C.
Other names: c.1369delT (NM_000038.5); c.1369del (LRG_130t1, LRG_130t2); c.1369del, p.Ser457fs (NM_001127510.3, NM_001354895.2, NM_001354896.2); c.1315del, p.Ser439fs (NM_001127511.3); c.1399del, p.Ser467fs (NM_001354897.2); c.1294del, p.Ser432fs (NM_001354898.2); c.1285del, p.Ser429fs (NM_001354899.2); c.1192del, p.Ser398fs (NM_001354900.2, NM_001354901.2); and 5 more; short protein forms S356fs, S429fs, S457fs, S174fs, S366fs, S297fs, S432fs, S439fs.
Identifiers: ClinVar variation 795 (VCV000000795.6), dbSNP rs387906229, ClinGen allele CA004867.
Genomic context (GRCh38, chr5:112,821,949, plus strand): 5'-TTTTCAGTGCCAGCTCCTGTTGAACATCAGATCTGTCCTGCTGTGTGTGTTCTAATGAAA[CT>C]TTCATTTGATGAAGAGCATAGACATGCAATGAATGAACTAGGTAAGACAAAAATGTTTTT-3'